The following is an entry in ClinVar:

ClinVar aggregate classification (germline): Uncertain significance (0 of 4 stars; one submission).

Conditions:
WDPCP-related disorder. Also called: WDPCP-related condition.

Submission:

PreventionGenetics, part of Exact Sciences
Classification: Uncertain significance for WDPCP-related condition. Last evaluated: 2024-06-26. Review status: no assertion criteria provided. Collection method: clinical testing. Allele origin: germline.
Comment: The WDPCP c.1816C>T variant is predicted to result in the amino acid substitution p.Leu606Phe. To our knowledge, this variant has not been reported in the literature or in a large population database, indicating this variant is rare. This variant is also known as a deep intronic variant c.1748+18377C>T on the widely used transcript NM_015910.5, which is predicted to have no splicing impact. At this time, the clinical significance of this variant is uncertain due to the absence of conclusive functional and genetic evidence.

NM_015910.7(WDPCP):c.1748+18377C>T

Gene: WDPCP (WD repeat containing planar cell polarity effector; minus strand). Cytogenetic location: 2p15.
Variant type: single nucleotide variant.
Coding change: c.1748+18377C>T on transcript NM_015910.7 (MANE Select); 18377 bases into the intron after coding-DNA position 1748, C replaced by T.
Molecular consequence: intron variant. On other transcripts: missense variant (1).
Genome position (GRCh38, 1-based): chr2:63,360,009, G>A on the plus strand (C>T on the coding strand, the complement: WDPCP is on the minus strand). VCF-style: chr2-63360009-G-A. GRCh37 (hg19) VCF-style: chr2-63587144-G-A.
Other names: c.1816C>T, p.Leu606Phe (NM_001354045.2); c.1676+18377C>T (NM_001354044.2); c.1271+18377C>T (NM_001042692.3); short protein forms L606F.
Identifiers: ClinVar variation 3348391 (VCV003348391.1).